The following is an entry in ClinVar:

NM_020975.6(RET):c.2776C>A (p.His926Asn)

Gene: RET (ret proto-oncogene; plus strand). Cytogenetic location: 10q11.21.
Variant type: single nucleotide variant.
Coding change: c.2776C>A on transcript NM_020975.6 (MANE Select); coding-DNA position 2776, C replaced by A.
Protein change: p.His926Asn; replaces histidine 926 with asparagine.
Molecular consequence: missense variant.
Genome position (GRCh38, 1-based): chr10:43,121,991, C>A. VCF-style: chr10-43121991-C-A. GRCh37 (hg19) VCF-style: chr10-43617439-C-A.
Other names: c.2776C>A, p.His926Asn (NM_000323.2, NM_001406743.1, NM_001406744.1 and 4 more transcripts); c.2014C>A, p.His672Asn (NM_001355216.2); c.2647C>A, p.His883Asn (NM_001406761.1, NM_001406762.1, NM_001406764.1); c.2641C>A, p.His881Asn (NM_001406763.1, NM_001406765.1); c.2488C>A, p.His830Asn (NM_001406766.1, NM_001406767.1, NM_001406770.1); c.2512C>A, p.His838Asn (NM_001406768.1); c.2380C>A, p.His794Asn (NM_001406769.1, NM_001406772.1); c.2338C>A, p.His780Asn (NM_001406771.1, NM_001406773.1); and 10 more; short protein forms H584N, H443N, H531N, H627N, H672N, H596N, H830N, H838N.
Identifiers: ClinVar variation 2561467 (VCV002561467.4), dbSNP rs774215008, ClinGen allele CA376557579.

ClinVar aggregate classification (germline): Uncertain significance. Review status: criteria provided, multiple submitters, no conflicts (2 of 4 stars). 2 submissions from 2 submitters: Uncertain significance (2). Last evaluated 2024-08-07.

Conditions:
Hereditary cancer-predisposing syndrome. Also called: Neoplastic Syndromes, Hereditary; Hereditary Cancer Syndrome; Hereditary neoplastic syndrome; Tumor predisposition. Identifiers: Orphanet 140162, MedGen C0027672, MeSH D009386, MONDO:0015356.
Multiple endocrine neoplasia, type 2 (MEN2). Identifiers: Orphanet 653, MedGen C4048306, MONDO:0019003. Disease mechanism: gain of function.

Submissions (2):

Labcorp Genetics (formerly Invitae), Labcorp
Classification: Uncertain significance for Multiple endocrine neoplasia, type 2. Last evaluated: 2024-08-07. Review status: criteria provided, single submitter. Criteria: Invitae Variant Classification Sherloc (09022015). Collection method: clinical testing. Allele origin: germline.
Comment: This sequence change replaces histidine, which is basic and polar, with asparagine, which is neutral and polar, at codon 926 of the RET protein (p.His926Asn). This variant is not present in population databases (gnomAD no frequency). This variant has not been reported in the literature in individuals affected with RET-related conditions. ClinVar contains an entry for this variant (Variation ID: 2561467). An algorithm developed to predict the effect of missense changes on protein structure and function (PolyPhen-2) suggests that this variant is likely to be disruptive. In summary, the available evidence is currently insufficient to determine the role of this variant in disease. Therefore, it has been classified as a Variant of Uncertain Significance.

Ambry Genetics
Classification: Uncertain significance for Hereditary cancer-predisposing syndrome. Last evaluated: 2023-06-01. Review status: criteria provided, single submitter. Criteria: Ambry Variant Classification Scheme 2023. Collection method: clinical testing. Allele origin: germline.
Comment: The p.H926N variant (also known as c.2776C>A), located in coding exon 16 of the RET gene, results from a C to A substitution at nucleotide position 2776. The histidine at codon 926 is replaced by asparagine, an amino acid with similar properties. This amino acid position is conserved. In addition, the in silico prediction for this alteration is inconclusive. Since supporting evidence is limited at this time, the clinical significance of this alteration remains unclear.